The following is an entry in ClinVar:

NM_001440.4(EXTL3):c.415G>A (p.Glu139Lys)

Gene: EXTL3 (exostosin like glycosyltransferase 3; plus strand). Cytogenetic location: 8p21.1.
Variant type: single nucleotide variant.
Coding change: c.415G>A on transcript NM_001440.4 (MANE Select); coding-DNA position 415, G replaced by A.
Protein change: p.Glu139Lys; replaces glutamic acid 139 with lysine.
Molecular consequence: missense variant.
Genome position (GRCh38, 1-based): chr8:28,716,474, G>A. VCF-style: chr8-28716474-G-A. GRCh37 (hg19) VCF-style: chr8-28573991-G-A.
Other names: short protein forms E139K.
Identifiers: ClinVar variation 1508456 (VCV001508456.4), dbSNP rs749401888, ClinGen allele CA4695996.

ClinVar aggregate classification (germline): Uncertain significance (1 of 4 stars; one submission).

Allele frequency attached by ClinVar (database versions not stated): TOPMed below 0.00001; gnomAD exomes 0.00001; ExAC 0.00002.
gnomAD v4.1: 3 of 1,613,880 alleles (0.00019%); highest among the groups gnomAD compares: Admixed American, 0.0033%; no homozygotes.

Submission:

Labcorp Genetics (formerly Invitae), Labcorp
Classification: Uncertain significance. Last evaluated: 2024-11-05. Review status: criteria provided, single submitter. Criteria: Invitae Variant Classification Sherloc (09022015). Collection method: clinical testing. Allele origin: germline.
Comment: This sequence change replaces glutamic acid, which is acidic and polar, with lysine, which is basic and polar, at codon 139 of the EXTL3 protein (p.Glu139Lys). This variant is present in population databases (rs749401888, gnomAD 0.006%). This variant has not been reported in the literature in individuals affected with EXTL3-related conditions. ClinVar contains an entry for this variant (Variation ID: 1508456). Invitae Evidence Modeling of protein sequence and biophysical properties (such as structural, functional, and spatial information, amino acid conservation, physicochemical variation, residue mobility, and thermodynamic stability) indicates that this missense variant is not expected to disrupt EXTL3 protein function with a negative predictive value of 80%. In summary, the available evidence is currently insufficient to determine the role of this variant in disease. Therefore, it has been classified as a Variant of Uncertain Significance.